The following is an entry in ClinVar:

ClinVar aggregate classification (germline): Benign/Likely benign. Review status: criteria provided, multiple submitters, no conflicts (2 of 4 stars). 5 submissions from 5 submitters: Benign (2); Likely benign (3). Last evaluated 2026-01-28.

Conditions:
DYNC1H1-related disorder. Also called: DYNC1H1-related disorders; DYNC1H1-related condition. Identifiers: MedGen CN381529.
Inborn genetic diseases. Identifiers: MedGen C0950123, MeSH D030342.
Charcot-Marie-Tooth disease axonal type 2O. Also called: Charcot-Marie-Tooth Neuropathy Type 2O; CHARCOT-MARIE-TOOTH NEUROPATHY, AXONAL, TYPE 2O; CHARCOT-MARIE-TOOTH DISEASE, AXONAL, AUTOSOMAL DOMINANT, TYPE 2O; Charcot-Marie-Tooth disease, axonal, type 20. Identifiers: Orphanet 284232, MedGen C3280220, MONDO:0013644, OMIM 614228.

Allele frequency attached by ClinVar (database versions not stated): 1000 Genomes Project 0.00040; 1000 Genomes Project 30x 0.00047; gnomAD 0.00048 and 0.00052; ESP Exome Variant Server 0.00054; TOPMed 0.00065; gnomAD exomes 0.00009; ExAC 0.00016.
gnomAD v4.1: 144 of 1,614,014 alleles (0.0089%); highest among the groups gnomAD compares: African/African-American, 0.16%; no homozygotes.

Submissions (5):

Labcorp Genetics (formerly Invitae), Labcorp
Classification: Benign for Charcot-Marie-Tooth disease axonal type 2O. Last evaluated: 2026-01-28. Review status: criteria provided, single submitter. Criteria: Invitae Variant Classification Sherloc (09022015). Collection method: clinical testing. Allele origin: germline.

PreventionGenetics, part of Exact Sciences
Classification: Likely benign for DYNC1H1-related condition. Last evaluated: 2025-08-13. Review status: criteria provided, single submitter. Criteria: ACMG Guidelines, 2015. Collection method: clinical testing. Allele origin: germline.
Comment: This variant is classified as likely benign based on ACMG/AMP sequence variant interpretation guidelines (Richards et al. 2015 PMID: 25741868, with internal and published modifications).

Blueprint Genetics
Classification: Likely benign. Last evaluated: 2023-05-22. Review status: criteria provided, single submitter. Criteria: ACMG Guidelines, 2015. Collection method: clinical testing. Allele origin: germline.

GeneDx
Classification: Benign. Last evaluated: 2019-08-02. Review status: criteria provided, single submitter. Criteria: GeneDx Variant Classification Process June 2021. Collection method: clinical testing. Allele origin: germline. Affected: yes.

Ambry Genetics
Classification: Likely benign for Inborn genetic diseases. Last evaluated: 2016-09-13. Review status: criteria provided, single submitter. Criteria: Ambry Variant Classification Scheme 2023. Collection method: clinical testing. Allele origin: germline.

NM_001376.5(DYNC1H1):c.2448C>T (p.Ile816=)

Gene: DYNC1H1 (dynein cytoplasmic 1 heavy chain 1; plus strand). Cytogenetic location: 14q32.31.
Variant type: single nucleotide variant.
Coding change: c.2448C>T on transcript NM_001376.5 (MANE Select); coding-DNA position 2448, C replaced by T.
Protein change: p.Ile816=; no amino-acid change (isoleucine 816 retained).
Molecular consequence: synonymous variant.
Genome position (GRCh38, 1-based): chr14:101,986,673, C>T. VCF-style: chr14-101986673-C-T. GRCh37 (hg19) VCF-style: chr14-102453010-C-T.
Identifiers: ClinVar variation 415341 (VCV000415341.20), dbSNP rs145405293, ClinGen allele CA7351819.